The following is an entry in ClinVar:

NM_014165.4(NDUFAF4):c.*301T>A

Gene: NDUFAF4 (NADH:ubiquinone oxidoreductase complex assembly factor 4; minus strand). Cytogenetic location: 6q16.1.
Variant type: single nucleotide variant.
Coding change: c.*301T>A on transcript NM_014165.4 (MANE Select); 301 bases downstream of the stop codon, T replaced by A.
Molecular consequence: 3 prime UTR variant.
Genome position (GRCh38, 1-based): chr6:96,890,803, A>T on the plus strand (T>A on the coding strand, the complement: NDUFAF4 is on the minus strand). VCF-style: chr6-96890803-A-T. GRCh37 (hg19) VCF-style: chr6-97338679-A-T.
Identifiers: ClinVar variation 358268 (VCV000358268.7), dbSNP rs1854268, ClinGen allele CA10622827.

ClinVar aggregate classification (germline): Benign. Review status: criteria provided, multiple submitters, no conflicts (2 of 4 stars). 2 submissions from 2 submitters: Benign (2). Last evaluated 2018-06-14.

Conditions:
Mitochondrial complex I deficiency, nuclear type 1. Also called: NADH-COENZYME Q REDUCTASE DEFICIENCY; MITOCHONDRIAL NADH DEHYDROGENASE COMPONENT OF COMPLEX I, DEFICIENCY OF. Identifiers: MedGen C6022305, MONDO:0100224, OMIM 252010.

Allele frequency attached by ClinVar (database versions not stated): gnomAD exomes 0.22913; gnomAD 0.23899 and 0.24121; TOPMed 0.25112; 1000 Genomes Project 0.27496; 1000 Genomes Project 30x 0.27842.
gnomAD v4.1: 65,770 of 279,016 alleles (24%); highest among the groups gnomAD compares: East Asian, 34%; 8,115 homozygotes.

Submissions (2):

GeneDx
Classification: Benign. Last evaluated: 2018-06-14. Review status: criteria provided, single submitter. Criteria: GeneDx Variant Classification Process June 2021. Collection method: clinical testing. Allele origin: germline. Affected: yes.

Illumina Laboratory Services, Illumina
Classification: Benign for Mitochondrial complex I deficiency, nuclear type 1. Last evaluated: 2018-01-12. Review status: criteria provided, single submitter. Criteria: ICSL Variant Classification Criteria 13 December 2019. Collection method: clinical testing. Allele origin: germline.
Comment: This variant was observed in the ICSL laboratory as part of a predisposition screen in an ostensibly healthy population. It had not been previously curated by ICSL or reported in the Human Gene Mutation Database (HGMD: prior to June 1st, 2018), and was therefore a candidate for classification through an automated scoring system. Utilizing variant allele frequency, disease prevalence and penetrance estimates, and inheritance mode, an automated score was calculated to assess if this variant is too frequent to cause the disease. Based on the score and internal cut-off values, a variant classified as benign is not then subjected to further curation. The score for this variant resulted in a classification of benign for this disease.